The following is an entry in ClinVar:

NM_031263.4(HNRNPK):c.511C>T (p.Arg171Ter)

Genes: HNRNPK (heterogeneous nuclear ribonucleoprotein K; minus strand), HNRNPK-AS1 (HNRNPK antisense RNA 1; plus strand). Cytogenetic location: 9q21.32.
Variant type: single nucleotide variant.
Coding change: c.511C>T on transcript NM_031263.4 (MANE Select); coding-DNA position 511, C replaced by T.
Protein change: p.Arg171Ter; replaces arginine 171 with a stop codon.
Molecular consequence: nonsense.
Genome position (GRCh38, 1-based): chr9:83,973,291, G>A on the plus strand (C>T on the coding strand, the complement: HNRNPK is on the minus strand). VCF-style: chr9-83973291-G-A. GRCh37 (hg19) VCF-style: chr9-86588206-G-A.
Other names: c.439C>T, p.Arg147Ter (NM_001318186.2, NM_001318187.2); c.511C>T, p.Arg171Ter (NM_001318188.2, NM_002140.5, NM_031262.4); short protein forms R147*, R171*.
Identifiers: ClinVar variation 3062277 (VCV003062277.1), dbSNP rs1008634601, ClinGen allele CA373927044.
Genomic context (GRCh38, chr9:83,973,291, plus strand): 5'-CTATATGAAAATTTACTTTCCAGCAAAGAATACGGCAGAATTTTTTTTTTTTTACCTCTC[G>A]AAGTTCTTTGATTTTAGCACCTTTGACCCCAATAATTCCTCCTGCTAGACTCTGATGAAT-3'

ClinVar aggregate classification (germline): Likely pathogenic (1 of 4 stars; one submission).

Conditions:
Au-Kline syndrome. Also called: Okamoto syndrome; Neurodevelopmental disorder-craniofacial dysmorphism-cardiac defect-hip dysplasia syndrome due to a point mutation. Identifiers: Orphanet 2729, Orphanet 453499, Orphanet 453504, MedGen C4225274, MONDO:0014700, OMIM 616580.

Submission:

Molecular Genetics Department, Kulakov National Medical Research Center for Obstetrics, Gynecology and Perinatology
Classification: Likely pathogenic for Au-Kline syndrome. Review status: criteria provided, single submitter. Criteria: ACMG Guidelines, 2015. Collection method: clinical testing. Allele origin: germline. Affected: yes.
Comment: A previously undescribed nucleotide variant creates a premature translation stop signal p.Arg171Ter in the HNRNPK gene. Loss-of-function variants are reported in patients with Au-Kline syndrome, 616580. The variant is not present in population database (gnomAD no frequency). In summary, the currently available evidence indicates that the variant is pathogenic, but additional data are needed to prove that conclusively. Therefore, this variant has been classified as likely pathogenic.